The following is an entry in ClinVar:

NM_004380.3(CREBBP):c.662G>T (p.Gly221Val)

Gene: CREBBP (CREB binding protein; minus strand). Cytogenetic location: 16p13.3.
Variant type: single nucleotide variant.
Coding change: c.662G>T on transcript NM_004380.3 (MANE Select); coding-DNA position 662, G replaced by T.
Protein change: p.Gly221Val; replaces glycine 221 with valine.
Molecular consequence: missense variant.
Genome position (GRCh38, 1-based): chr16:3,850,433, C>A on the plus strand (G>T on the coding strand, the complement: CREBBP is on the minus strand). VCF-style: chr16-3850433-C-A. GRCh37 (hg19) VCF-style: chr16-3900434-C-A.
Other names: c.662G>T, p.Gly221Val (NM_001079846.1); short protein forms G221V.
Identifiers: ClinVar variation 3343309 (VCV003343309.1).

ClinVar aggregate classification (germline): Uncertain significance (1 of 4 stars; one submission).

gnomAD v4.1: 1 of 1,614,240 alleles (0.000062%); highest among the groups gnomAD compares: Non-Finnish European, 0.000085%; no homozygotes.

Submission:

GeneDx
Classification: Uncertain significance. Last evaluated: 2023-05-05. Review status: criteria provided, single submitter. Criteria: GeneDx Variant Classification Process June 2021. Collection method: clinical testing. Allele origin: germline. Affected: yes.
Comment: Not observed at significant frequency in large population cohorts (gnomAD); In silico analysis supports that this missense variant has a deleterious effect on protein structure/function; Has not been previously published as pathogenic or benign to our knowledge